The following is an entry in ClinVar:

ClinVar aggregate classification (germline): Uncertain significance (1 of 4 stars; one submission).

Conditions:
Congenital disorder of glycosylation type Ir (CDG1R). Also called: DDOST-congenital disorder of glycosylation. Identifiers: Orphanet 300536, MedGen C3281084, MONDO:0013789, OMIM 614507.

Submission:

Labcorp Genetics (formerly Invitae), Labcorp
Classification: Uncertain significance for Congenital disorder of glycosylation type Ir. Last evaluated: 2024-05-13. Review status: criteria provided, single submitter. Criteria: Invitae Variant Classification Sherloc (09022015). Collection method: clinical testing. Allele origin: germline.
Comment: This sequence change falls in intron 10 of the DDOST gene. It does not directly change the encoded amino acid sequence of the DDOST protein. It affects a nucleotide within the consensus splice site. This variant is not present in population databases (gnomAD no frequency). This variant has not been reported in the literature in individuals affected with DDOST-related conditions. Variants that disrupt the consensus splice site are a relatively common cause of aberrant splicing (PMID: 17576681, 9536098). Algorithms developed to predict the effect of sequence changes on RNA splicing suggest that this variant is not likely to affect RNA splicing. In summary, the available evidence is currently insufficient to determine the role of this variant in disease. Therefore, it has been classified as a Variant of Uncertain Significance.

Literature cited by the submitters: PubMed 17576681; PubMed 9536098.

NM_005216.5(DDOST):c.1170+4A>G

Gene: DDOST (dolichyl-diphosphooligosaccharide--protein glycosyltransferase non-catalytic subunit; minus strand). Cytogenetic location: 1p36.12.
Variant type: single nucleotide variant.
Coding change: c.1170+4A>G on transcript NM_005216.5 (MANE Select); 4 bases into the intron after coding-DNA position 1170, A replaced by G.
Molecular consequence: intron variant.
Genome position (GRCh38, 1-based): chr1:20,652,617, T>C on the plus strand (A>G on the coding strand, the complement: DDOST is on the minus strand). VCF-style: chr1-20652617-T-C. GRCh37 (hg19) VCF-style: chr1-20979110-T-C.
Identifiers: ClinVar variation 3645561 (VCV003645561.2).